The following is an entry in ClinVar:

ClinVar aggregate classification (germline): Uncertain significance (1 of 4 stars; one submission).

Conditions:
Autosomal dominant nonsyndromic hearing loss 1. Also called: KONIGSMARK SYNDROME; DEAFNESS, AUTOSOMAL DOMINANT 1, WITH OR WITHOUT THROMBOCYTOPENIA. Identifiers: Orphanet 90635, MedGen C1852282, MONDO:0007424, OMIM 124900.
Progressive microcephaly-seizures-cortical blindness-developmental delay syndrome. Also called: Seizures, cortical blindness, and microcephaly syndrome. Identifiers: Orphanet 477814, MedGen C5567650, MONDO:0014714, OMIM 616632.

Allele frequency attached by ClinVar (database versions not stated): TOPMed below 0.00001; ExAC 0.00001; gnomAD exomes 0.00002; gnomAD 0.00003.
gnomAD v4.1: 17 of 1,579,062 alleles (0.0011%); highest among the groups gnomAD compares: Middle Eastern, 0.017%; no homozygotes.

Submission:

Labcorp Genetics (formerly Invitae), Labcorp
Classification: Uncertain significance for Progressive microcephaly-seizures-cortical blindness-developmental delay syndrome; Autosomal dominant nonsyndromic hearing loss 1. Last evaluated: 2024-05-23. Review status: criteria provided, single submitter. Criteria: Invitae Variant Classification Sherloc (09022015). Collection method: clinical testing. Allele origin: germline.
Comment: This sequence change replaces glutamine, which is neutral and polar, with histidine, which is basic and polar, at codon 429 of the DIAPH1 protein (p.Gln429His). This variant is present in population databases (rs748159908, gnomAD 0.004%). This variant has not been reported in the literature in individuals affected with DIAPH1-related conditions. ClinVar contains an entry for this variant (Variation ID: 351297). Experimental studies and prediction algorithms are not available or were not evaluated, and the functional significance of this variant is currently unknown. In summary, the available evidence is currently insufficient to determine the role of this variant in disease. Therefore, it has been classified as a Variant of Uncertain Significance.

NM_005219.5(DIAPH1):c.1287G>C (p.Gln429His)

Gene: DIAPH1 (diaphanous related formin 1; minus strand). Cytogenetic location: 5q31.3.
Variant type: single nucleotide variant.
Coding change: c.1287G>C on transcript NM_005219.5 (MANE Select); coding-DNA position 1287, G replaced by C.
Protein change: p.Gln429His; replaces glutamine 429 with histidine.
Molecular consequence: missense variant.
Genome position (GRCh38, 1-based): chr5:141,576,865, C>G on the plus strand (G>C on the coding strand, the complement: DIAPH1 is on the minus strand). VCF-style: chr5-141576865-C-G. GRCh37 (hg19) VCF-style: chr5-140956432-C-G.
Other names: c.1260G>C, p.Gln420His (NM_001079812.3); c.1287G>C, p.Gln429His (NM_001314007.2); short protein forms Q429H, Q420H.
Identifiers: ClinVar variation 351297 (VCV000351297.9), dbSNP rs748159908, ClinGen allele CA3479330.